The following is an entry in ClinVar:

ClinVar aggregate classification (germline): Uncertain significance (1 of 4 stars; one submission).

Conditions:
Developmental and epileptic encephalopathy, 27 (DEE27). Also called: GRIN2B-Related Neurodevelopmental Disorder; Epileptic encephalopathy, early infantile, 27. Identifiers: Orphanet 3451, MedGen C4015316, MONDO:0014505, OMIM 616139.
Intellectual developmental disorder, autosomal dominant 6, with or without seizures. Also called: Intellectual disability, autosomal dominant 6; GRIN2B-related developmental delay, intellectual disability and autism spectrum disorder. Identifiers: Orphanet 589547, MedGen C3151411, MONDO:0013509, OMIM 613970.

Allele frequency attached by ClinVar (database versions not stated): TOPMed below 0.00001; gnomAD exomes 0.00001.
gnomAD v4.1: 9 of 1,577,140 alleles (0.00057%); highest among the groups gnomAD compares: Non-Finnish European, 0.00079%; no homozygotes.

Submission:

Labcorp Genetics (formerly Invitae), Labcorp
Classification: Uncertain significance for Developmental and epileptic encephalopathy, 27; Intellectual developmental disorder, autosomal dominant 6, with or without seizures. Last evaluated: 2022-02-05. Review status: criteria provided, single submitter. Criteria: Invitae Variant Classification Sherloc (09022015). Collection method: clinical testing. Allele origin: germline.
Comment: In summary, the available evidence is currently insufficient to determine the role of this variant in disease. Therefore, it has been classified as a Variant of Uncertain Significance. Algorithms developed to predict the effect of missense changes on protein structure and function (SIFT, PolyPhen-2, Align-GVGD) all suggest that this variant is likely to be tolerated. This variant has not been reported in the literature in individuals affected with GRIN2B-related conditions. This variant is not present in population databases (gnomAD no frequency). This sequence change replaces arginine, which is basic and polar, with lysine, which is basic and polar, at codon 375 of the GRIN2B protein (p.Arg375Lys).

NM_000834.5(GRIN2B):c.1124G>A (p.Arg375Lys)

Gene: GRIN2B (glutamate ionotropic receptor NMDA type subunit 2B; minus strand). Cytogenetic location: 12p13.1.
Variant type: single nucleotide variant.
Coding change: c.1124G>A on transcript NM_000834.5 (MANE Select); coding-DNA position 1124, G replaced by A.
Protein change: p.Arg375Lys; replaces arginine 375 with lysine.
Molecular consequence: missense variant.
Genome position (GRCh38, 1-based): chr12:13,675,746, C>T on the plus strand (G>A on the coding strand, the complement: GRIN2B is on the minus strand). VCF-style: chr12-13675746-C-T. GRCh37 (hg19) VCF-style: chr12-13828680-C-T.
Other names: c.1124G>A, p.Arg375Lys (NM_001413992.1); short protein forms R375K.
Identifiers: ClinVar variation 2093361 (VCV002093361.4), dbSNP rs778479807, ClinGen allele CA233054029.
Genomic context (GRCh38, chr12:13,675,746, plus strand): 5'-TTGCAAAATTTCACATTTCTACTCTACTTTGCTCAAGAATTGTCAAAGACATGTCTTACC[C>T]TTTCCCACTTCCTCTCCTTGTTCAGAAGAATTATCACCAGTTTCGGGTGCATCTGGTAGC-3'
Protein context (NP_000825.2, residues 365-385): ILLNKERKWE[Arg375Lys]VGKWKDKSLQ